The following is an entry in ClinVar:

ClinVar aggregate classification (germline): Conflicting classifications of pathogenicity. Review status: criteria provided, conflicting classifications (1 of 4 stars). 5 submissions from 5 submitters: Uncertain significance (4); Likely benign (1). Last evaluated 2026-03-26.

Conditions:
Retinal dystrophy. Also called: Inherited retinal dystrophy. Identifiers: Orphanet 71862, MedGen C0854723, MeSH D058499, MONDO:0019118, HP:0000556.
Retinitis pigmentosa 71 (RP71). Identifiers: Orphanet 791, MedGen C4225342, MONDO:0014618, OMIM 616394.
Short-rib thoracic dysplasia 10 with or without polydactyly (SRTD10). Identifiers: Orphanet 474, MedGen C3810175, MONDO:0014284, OMIM 615630.
IFT172-related disorder. Also called: IFT172-related disorders; IFT172-related condition.
Bardet-Biedl syndrome 20. Identifiers: MedGen C4310707, MONDO:0023670, OMIM 619471, MONDO:0014926.

Allele frequency attached by ClinVar (database versions not stated): gnomAD exomes 0.00002; ExAC 0.00003; gnomAD 0.00004 and 0.00005; TOPMed 0.00005; 1000 Genomes Project 30x 0.00031; 1000 Genomes Project 0.00040.
gnomAD v4.1: 35 of 1,614,062 alleles (0.0022%); highest among the groups gnomAD compares: African/African-American, 0.013%; no homozygotes.

Submissions (5):

PreventionGenetics, part of Exact Sciences
Classification: Uncertain significance for IFT172-related condition. Last evaluated: 2026-03-26. Review status: criteria provided, single submitter. Criteria: ACMG Guidelines, 2015. Collection method: clinical testing. Allele origin: germline.
Comment: The IFT172 c.2014C>T variant is predicted to result in the amino acid substitution p.Arg672Trp. This variant has been reported in the presence of other variants in an individual with obesity (Supplementary Table 1, Roberts et al. 2022. PubMed ID: 35562395) and an individual with isolated congenital heart defects (ICHD) (Supplementary Table S5, Meerschaut et al. 2022. PubMed ID: 35885997). This variant is reported in 0.016% of alleles in individuals of African descent in gnomAD. At this time, the clinical significance of this variant is uncertain due to the absence of conclusive functional and genetic evidence.

Labcorp Genetics (formerly Invitae), Labcorp
Classification: Likely benign for Retinitis pigmentosa 71; Short-rib thoracic dysplasia 10 with or without polydactyly. Last evaluated: 2025-03-05. Review status: criteria provided, single submitter. Criteria: Invitae Variant Classification Sherloc (09022015). Collection method: clinical testing. Allele origin: germline.

Fulgent Genetics
Classification: Uncertain significance for Short-rib thoracic dysplasia 10 with or without polydactyly; Retinitis pigmentosa 71; Bardet-Biedl syndrome 20. Last evaluated: 2024-05-20. Review status: criteria provided, single submitter. Criteria: ACMG Guidelines, 2015. Collection method: clinical testing. Allele origin: germline.

Dept Of Ophthalmology, Nagoya University
Classification: Uncertain significance for Retinal dystrophy. Last evaluated: 2023-10-01. Review status: criteria provided, single submitter. Criteria: Submitter's publication. Collection method: research. Allele origin: germline. Affected: yes.

GeneDx
Classification: Uncertain significance. Last evaluated: 2022-05-19. Review status: criteria provided, single submitter. Criteria: GeneDx Variant Classification Process June 2021. Collection method: clinical testing. Allele origin: germline. Affected: yes.
Comment: In silico analysis supports that this missense variant has a deleterious effect on protein structure/function; Has not been previously published as pathogenic or benign to our knowledge

NM_015662.3(IFT172):c.2014C>T (p.Arg672Trp)

Gene: IFT172 (intraflagellar transport 172; minus strand). Cytogenetic location: 2p23.3.
Variant type: single nucleotide variant.
Coding change: c.2014C>T on transcript NM_015662.3 (MANE Select); coding-DNA position 2014, C replaced by T.
Protein change: p.Arg672Trp; replaces arginine 672 with tryptophan.
Molecular consequence: missense variant.
Genome position (GRCh38, 1-based): chr2:27,463,105, G>A on the plus strand (C>T on the coding strand, the complement: IFT172 is on the minus strand). VCF-style: chr2-27463105-G-A. GRCh37 (hg19) VCF-style: chr2-27685972-G-A.
Other names: short protein forms R672W.
Identifiers: ClinVar variation 1361895 (VCV001361895.11), dbSNP rs201921339, ClinGen allele CA1580460.